The following is an entry in ClinVar:

ClinVar aggregate classification (germline): Benign/Likely benign. Review status: criteria provided, multiple submitters, no conflicts (2 of 4 stars). 16 submissions from 16 submitters: Benign (2); Likely benign (12). 2 of the submissions do not count toward it. Last evaluated 2026-09-01.

Conditions:
Connective tissue disorder. Also called: Connective tissue disease. Identifiers: MedGen C0009782, MONDO:0003900.
MYH11-related disorder. Also called: MYH11-related condition.
Familial thoracic aortic aneurysm and aortic dissection (TAAD). Also called: Thoracic aortic aneurysms and dissections. Identifiers: Orphanet 91387, MedGen C4707243, MONDO:0019625.
Aortic aneurysm, familial thoracic 4 (AAT4). Also called: AORTIC ANEURYSM/AORTIC DISSECTION AND PATENT DUCTUS ARTERIOSUS. Identifiers: MedGen C1851504, MONDO:0007568, OMIM 132900.

Allele frequency attached by ClinVar (database versions not stated): 1000 Genomes Project 30x 0.00125; 1000 Genomes Project 0.00140; ESP Exome Variant Server 0.00162; gnomAD 0.00213 and 0.00216; gnomAD exomes 0.00222 and 0.00313; ExAC 0.00234; TOPMed 0.00243.
gnomAD v4.1: 4,933 of 1,614,018 alleles (0.31%); highest among the groups gnomAD compares: Middle Eastern, 0.89%; 7 homozygotes.

Submissions (16):

CeGaT Center for Human Genetics Tuebingen
Classification: Benign. Last evaluated: 2026-09-01. Review status: criteria provided, single submitter. Criteria: CeGaT Center For Human Genetics Tuebingen Variant Classification Criteria Version 2. Collection method: clinical testing. Allele origin: germline. Affected: yes. Observed: 52 variant alleles.
Comment: MYH11: BS1, BS2

Labcorp Genetics (formerly Invitae), Labcorp
Classification: Likely benign for Aortic aneurysm, familial thoracic 4. Last evaluated: 2026-02-01. Review status: criteria provided, single submitter. Criteria: Invitae Variant Classification Sherloc (09022015). Collection method: clinical testing. Allele origin: germline.

Genomic Medicine Center of Excellence, King Faisal Specialist Hospital and Research Centre
Classification: Likely benign. Last evaluated: 2025-08-18. Review status: criteria provided, single submitter. Criteria: ACMG Guidelines, 2015. Collection method: clinical testing. Allele origin: germline.

Mayo Clinic Laboratories, Mayo Clinic
Classification: Likely benign. Last evaluated: 2025-07-23. Review status: criteria provided, single submitter. Criteria: ACMG Guidelines, 2015. Collection method: clinical testing. Allele origin: germline. Observed: 11 variant alleles.
Comment: BS1, BS2_supporting, PP3_moderate

ARUP Laboratories, Molecular Genetics and Genomics, ARUP Laboratories
Classification: Likely benign. Last evaluated: 2025-03-11. Review status: criteria provided, single submitter. Criteria: ARUP Molecular Germline Variant Investigation Process 2024. Collection method: clinical testing. Allele origin: germline.

Blueprint Genetics
Classification: Likely benign. Last evaluated: 2024-11-27. Review status: criteria provided, single submitter. Criteria: ACMG Guidelines, 2015. Collection method: clinical testing. Allele origin: germline.

Molecular Diagnostic Laboratory for Inherited Cardiovascular Disease, Montreal Heart Institute
Classification: Likely benign. Last evaluated: 2020-03-23. Review status: criteria provided, single submitter. Criteria: ACMG Guidelines, 2015. Collection method: clinical testing. Allele origin: germline. Affected: yes.

CHEO Genetics Diagnostic Laboratory, Children's Hospital of Eastern Ontario
Classification: Benign for Familial thoracic aortic aneurysm and aortic dissection. Last evaluated: 2019-10-29. Review status: criteria provided, single submitter. Criteria: ACMG Guidelines, 2015. Collection method: clinical testing. Allele origin: germline.

Illumina Laboratory Services, Illumina
Classification: Likely benign for Aortic aneurysm, familial thoracic 4. Last evaluated: 2019-01-11. Review status: criteria provided, single submitter. Criteria: ICSL Variant Classification Criteria 13 December 2019. Collection method: clinical testing. Allele origin: germline.
Comment: This variant was observed as part of a predisposition screen in an ostensibly healthy population. A literature search was performed for the gene, cDNA change, and amino acid change (where applicable). No publications were found based on this search. Allele frequency data from public databases allowed determination this variant is unlikely to cause disease. Therefore, this variant is classified as likely benign.

Ambry Genetics
Classification: Likely benign for Familial thoracic aortic aneurysm and aortic dissection. Last evaluated: 2018-04-13. Review status: criteria provided, single submitter. Criteria: Ambry Variant Classification Scheme 2023. Collection method: clinical testing. Allele origin: germline.

Color Diagnostics, LLC DBA Color Health
Classification: Likely benign for Familial thoracic aortic aneurysm and aortic dissection. Last evaluated: 2018-03-05. Review status: criteria provided, single submitter. Criteria: ACMG Guidelines, 2015. Collection method: clinical testing. Allele origin: germline.

GeneDx
Classification: Likely benign. Last evaluated: 2018-01-24. Review status: criteria provided, single submitter. Criteria: GeneDx Variant Classification (06012015). Collection method: clinical testing. Allele origin: germline. Affected: yes.
Comment: This variant is considered likely benign or benign based on one or more of the following criteria: it is a conservative change, it occurs at a poorly conserved position in the protein, it is predicted to be benign by multiple in silico algorithms, and/or has population frequency not consistent with disease.

Center for Human Genetics, Inc
Classification: Likely benign for Connective tissue disorder. Last evaluated: 2016-11-01. Review status: criteria provided, single submitter. Criteria: ACMG Guidelines, 2015. Collection method: clinical testing. Allele origin: germline. Affected: yes.

Breakthrough Genomics
Classification: Likely benign. Review status: criteria provided, single submitter. Criteria: ACMG Guidelines, 2015. Collection method: not provided. Allele origin: germline. Inheritance: Autosomal recessive inheritance. Affected: yes.

PreventionGenetics, part of Exact Sciences
Classification: Likely benign for MYH11-related condition. Last evaluated: 2019-05-22. Review status: no assertion criteria provided. Collection method: clinical testing. Allele origin: germline. Not counted in ClinVar's aggregate classification.
Comment: This variant is classified as likely benign based on ACMG/AMP sequence variant interpretation guidelines (Richards et al. 2015 PMID: 25741868, with internal and published modifications).

Knight Diagnostic Laboratories, Oregon Health and Sciences University
Classification: Uncertain significance for Aortic aneurysm, familial thoracic 4. Last evaluated: 2015-09-26. Review status: no assertion criteria provided. Criteria: ACMG Guidelines, 2015. Collection method: clinical testing. Allele origin: germline. Affected: no. Study: CSER-NextGen. Not counted in ClinVar's aggregate classification.

Literature cited by the submitters: PubMed 26133393 (cited by Ambry Genetics); PubMed 26188975 (cited by Ambry Genetics); PubMed 27153395 (cited by Ambry Genetics).

NM_002474.3(MYH11):c.4604G>A (p.Arg1535Gln)

Genes: MYH11 (myosin heavy chain 11; minus strand), NDE1 (nudE neurodevelopment protein 1; plus strand). Cytogenetic location: 16p13.11.
Variant type: single nucleotide variant.
Coding change: c.4604G>A on transcript NM_002474.3 (MANE Select); coding-DNA position 4604, G replaced by A.
Protein change: p.Arg1535Gln; replaces arginine 1535 with glutamine.
Molecular consequence: missense variant. On other transcripts: intron variant (2).
Genome position (GRCh38, 1-based): chr16:15,721,026, C>T on the plus strand (G>A on the coding strand, the complement: MYH11 is on the minus strand). VCF-style: chr16-15721026-C-T. GRCh37 (hg19) VCF-style: chr16-15814883-C-T.
Other names: p.R1535Q:CGG>CAG; p.Arg1542Gln; c.4625G>A, p.Arg1542Gln (NM_001040113.2, NM_001040114.2); c.4604G>A, p.Arg1535Gln (NM_022844.3); c.948-3165C>T (NM_001143979.2, NM_017668.3); c.4625G>A (NM_001040114.1); short protein forms R1542Q, R1535Q.
Identifiers: ClinVar variation 180418 (VCV000180418.105), dbSNP rs137934837, ClinGen allele CA346463.
Genomic context (GRCh38, chr16:15,721,026, plus strand): 5'-AGCTCGTCCTCCAGCTCTTCCAGCTGCGTCTTCATCTCCTCCATCTGGGTCTCCAGGGCC[C>T]GCTTGGACTTCTCCAGCTCATGGACCTGCCGGCAGAGCGGGCAGCCCCATTCTATGAGGC-3'
Protein context (NP_002465.1, residues 1525-1545): KNVHELEKSK[Arg1535Gln]ALETQMEEMK